The following is an entry in ClinVar:

NM_014991.6(WDFY3):c.1435A>G (p.Ser479Gly)

Gene: WDFY3 (WD repeat and FYVE domain containing 3; minus strand). Cytogenetic location: 4q21.23.
Variant type: single nucleotide variant.
Coding change: c.1435A>G on transcript NM_014991.6 (MANE Select); coding-DNA position 1435, A replaced by G.
Protein change: p.Ser479Gly; replaces serine 479 with glycine.
Molecular consequence: missense variant.
Genome position (GRCh38, 1-based): chr4:84,821,240, T>C on the plus strand (A>G on the coding strand, the complement: WDFY3 is on the minus strand). VCF-style: chr4-84821240-T-C. GRCh37 (hg19) VCF-style: chr4-85742393-T-C.
Other names: short protein forms S479G.
Identifiers: ClinVar variation 2654882 (VCV002654882.24), dbSNP rs201992360, ClinGen allele CA2993979.

ClinVar aggregate classification (germline): Likely benign (1 of 4 stars; one submission).

Allele frequency attached by ClinVar (database versions not stated): TOPMed 0.00009; gnomAD 0.00010; ExAC 0.00014; gnomAD exomes 0.00014; ESP Exome Variant Server 0.00015.
gnomAD v4.1: 217 of 1,613,650 alleles (0.013%); highest among the groups gnomAD compares: Middle Eastern, 0.016%; no homozygotes.

Submission:

CeGaT Center for Human Genetics Tuebingen
Classification: Likely benign. Last evaluated: 2026-09-01. Review status: criteria provided, single submitter. Criteria: CeGaT Center For Human Genetics Tuebingen Variant Classification Criteria Version 2. Collection method: clinical testing. Allele origin: germline. Affected: yes. Observed: 3 variant alleles.
Comment: WDFY3: BP4